The following is an entry in ClinVar:

ClinVar aggregate classification (germline): Uncertain significance (1 of 4 stars; one submission).

Conditions:
Aortic valve disease 2 (AOVD2). Identifiers: MedGen C3542024, MONDO:0013902, OMIM 614823.

Submission:

Labcorp Genetics (formerly Invitae), Labcorp
Classification: Uncertain significance for Aortic valve disease 2. Last evaluated: 2024-07-01. Review status: criteria provided, single submitter. Criteria: Invitae Variant Classification Sherloc (09022015). Collection method: clinical testing. Allele origin: germline.
Comment: This variant, c.93_95del, results in the deletion of 1 amino acid(s) of the SMAD6 protein (p.Gly33del), but otherwise preserves the integrity of the reading frame. This variant is not present in population databases (gnomAD no frequency). This variant has not been reported in the literature in individuals affected with SMAD6-related conditions. ClinVar contains an entry for this variant (Variation ID: 1367777). Experimental studies and prediction algorithms are not available or were not evaluated, and the functional significance of this variant is currently unknown. In summary, the available evidence is currently insufficient to determine the role of this variant in disease. Therefore, it has been classified as a Variant of Uncertain Significance.

NM_005585.5(SMAD6):c.93_95del (p.Gly33del)

Gene: SMAD6 (SMAD family member 6; plus strand). Cytogenetic location: 15q22.31.
Variant type: Deletion.
Coding change: c.93_95del on transcript NM_005585.5 (MANE Select); coding-DNA positions 93 to 95, 3 bases deleted (TGG; older notation c.93_95delTGG).
Protein change: p.Gly33del; deletes glycine 33.
Molecular consequence: inframe deletion. On other transcripts: non-coding transcript variant (1).
Genome position (GRCh38, 1-based): chr15:66,703,351-66,703,353, TGG deleted; deleting any 3 consecutive bases within chr15:66,703,349-66,703,353 gives the same sequence; the c. name uses the placement nearest the transcript's 3' end. VCF-style (leftmost placement, unchanged base first): chr15-66703348-CGGT-C. GRCh37 (hg19) VCF-style: chr15-66995686-CGGT-C.
Other names: short protein forms G33del.
Identifiers: ClinVar variation 1367777 (VCV001367777.6), dbSNP rs1046189206, ClinGen allele CA2573151061.